The following is an entry in ClinVar:

ClinVar aggregate classification (germline): Pathogenic (1 of 4 stars; one submission).

Conditions:
Ataxia-telangiectasia syndrome (AT). Also called: Ataxia-telangiectasia, complementation group D; AT, COMPLEMENTATION GROUP C; ATAXIA-TELANGIECTASIA, COMPLEMENTATION GROUP A; ATAXIA-TELANGIECTASIA, FRESNO VARIANT; Ataxia-telangiectasia; Ataxia-telangiectasia, complementation group E. Identifiers: Orphanet 100, MedGen C0004135, MONDO:0008840, OMIM 208900.

Submission:

Labcorp Genetics (formerly Invitae), Labcorp
Classification: Pathogenic for Ataxia-telangiectasia syndrome. Last evaluated: 2024-08-31. Review status: criteria provided, single submitter. Criteria: Invitae Variant Classification Sherloc (09022015). Collection method: clinical testing. Allele origin: germline.
Comment: This sequence change creates a premature translational stop signal (p.Val2886Argfs*12) in the ATM gene. It is expected to result in an absent or disrupted protein product. Loss-of-function variants in ATM are known to be pathogenic (PMID: 23807571, 25614872). This variant is not present in population databases (gnomAD no frequency). This variant has not been reported in the literature in individuals affected with ATM-related conditions. For these reasons, this variant has been classified as Pathogenic.

Literature cited by the submitters: PubMed 23807571; PubMed 25614872.

NM_000051.4(ATM):c.8649_8655dup (p.Val2886fs)

Genes: ATM (ATM serine/threonine kinase; plus strand), C11orf65 (chromosome 11 open reading frame 65; minus strand). Cytogenetic location: 11q22.3.
Variant type: Duplication.
Coding change: c.8649_8655dup on transcript NM_000051.4 (MANE Select); coding-DNA positions 8649 to 8655, 7 bases duplicated (AGAACTT; older notation c.8649_8655dupAGAACTT).
Protein change: p.Val2886fs; shifts the reading frame from valine 2886.
Molecular consequence: frameshift variant. On other transcripts: intron variant (2).
Genome position (GRCh38, 1-based): chr11:108,347,343-108,347,349, AGAACTT duplicated. VCF-style (leftmost placement, unchanged base first): chr11-108347342-C-CAGAACTT. GRCh37 (hg19) VCF-style: chr11-108218069-C-CAGAACTT.
Other names: c.8649_8655dup, p.Val2886fs (NM_001351834.2); c.641-38278_641-38272dup (NM_001330368.2); c.695-12057_695-12051dup (NM_001351110.2); short protein forms V2886fs.
Identifiers: ClinVar variation 3662816 (VCV003662816.2).